The following is an entry in ClinVar:

ClinVar aggregate classification (germline): Likely pathogenic (1 of 4 stars; one submission).

Conditions:
Polycystic kidney disease, adult type (PKD1). Also called: POLYCYSTIC KIDNEY DISEASE, ADULT, TYPE I; Polycystic Kidney Disease 1, Autosomal Dominant; Polycystic kidney disease 1; Polycystic kidney disease 1, severe; POLYCYSTIC KIDNEY DISEASE 1 WITH OR WITHOUT POLYCYSTIC LIVER DISEASE; Polycystic Kidney, Autosomal Dominant. Identifiers: MedGen C3149841, MONDO:0008263, OMIM 173900.

Submission:

Variantyx, Inc.
Classification: Likely pathogenic for Polycystic kidney disease, adult type. Last evaluated: 2025-11-24. Review status: criteria provided, single submitter. Criteria: Variantyx Assertion Criteria 2022. Collection method: clinical testing. Allele origin: germline. Inheritance: Autosomal dominant inheritance. Affected: yes.
Comment: This is a frameshift variant in the PKD1 gene (OMIM: 601313). Pathogenic variants in this gene have been associated with autosomal dominant polycystic kidney disease 1. This variant introduces a premature termination codon in exon 37 out of 46 and is expected to result in loss of function, which is a known disease mechanism for PKD1 in this disorder (PMID: 30819518, 25365220, 23064367) (PVS1). This variant is absent from control populations (PM2). Based on the current evidence, this variant is classified as likely pathogenic for autosomal dominant polycystic kidney disease 1.

Literature cited by the submitters: PubMed 30819518; PubMed 25365220; PubMed 23064367.

NM_001009944.3(PKD1):c.11006del (p.Gly3669fs)

Genes: PKD1 (polycystin 1, transient receptor potential channel interacting; minus strand), PKD1-AS1 (PKD1 antisense RNA 1; plus strand). Cytogenetic location: 16p13.3.
Variant type: Deletion.
Coding change: c.11006del on transcript NM_001009944.3 (MANE Select); coding-DNA position 11006, one base deleted (G; older notation c.11006delG).
Protein change: p.Gly3669fs; shifts the reading frame from glycine 3669.
Molecular consequence: frameshift variant.
Genome position (GRCh38, 1-based): chr16:2,093,554, C deleted on the plus strand (G on the coding strand, the reverse complement: PKD1 is on the minus strand); the first of 2 consecutive C bases (chr16:2,093,554-2,093,555); deleting either gives the same sequence. VCF-style (leftmost placement, unchanged base first): chr16-2093553-GC-G. GRCh37 (hg19) VCF-style: chr16-2143554-GC-G.
Other names: c.11003del, p.Gly3668fs (NM_000296.4); short protein forms G3668fs, G3669fs.
Identifiers: ClinVar variation 4850024 (VCV004850024.1).